The following is an entry in ClinVar:

NM_004655.4(AXIN2):c.1818G>A (p.Leu606=)

Gene: AXIN2 (axin 2; minus strand). Cytogenetic location: 17q24.1.
Variant type: single nucleotide variant.
Coding change: c.1818G>A on transcript NM_004655.4 (MANE Select); coding-DNA position 1818, G replaced by A.
Protein change: p.Leu606=; no amino-acid change (leucine 606 retained).
Molecular consequence: synonymous variant. On other transcripts: intron variant (1).
Genome position (GRCh38, 1-based): chr17:65,536,958, C>T on the plus strand (G>A on the coding strand, the complement: AXIN2 is on the minus strand). VCF-style: chr17-65536958-C-T. GRCh37 (hg19) VCF-style: chr17-63533076-C-T.
Other names: c.1712+366G>A (NM_001363813.1).
Identifiers: ClinVar variation 1079018 (VCV001079018.12), dbSNP rs1189712284, ClinGen allele CA501691090.
Genomic context (GRCh38, chr17:65,536,958, plus strand): 5'-ACTCTCCAGCATCCACTGCCAGACATCCTGCGACCTGTCTCCTTCCTCCCGGGGAAGCTG[C>T]AGGGCCCCAGCTCCGCCGGGGGCCCCTCCTTCCCTGGCGGGCAGGGCCAGGCCCGGCTCC-3'
Protein context (NP_004646.3, residues 596-616): EGGAPGGAGA[Leu606=]QLPREEGDRS

ClinVar aggregate classification (germline): Benign/Likely benign. Review status: criteria provided, multiple submitters, no conflicts (2 of 4 stars). 3 submissions from 3 submitters: Benign (1); Likely benign (2). Last evaluated 2024-07-08.

Conditions:
Hereditary cancer-predisposing syndrome. Also called: Hereditary Cancer Syndrome; Hereditary neoplastic syndrome; Tumor predisposition; Neoplastic Syndromes, Hereditary. Identifiers: Orphanet 140162, MedGen C0027672, MeSH D009386, MONDO:0015356.
Oligodontia-cancer predisposition syndrome. Also called: TOOTH AGENESIS-COLORECTAL CANCER SYNDROME. Identifiers: Orphanet 300576, MedGen C1837750, MONDO:0012075, OMIM 608615. Disease mechanism: loss of function.

Allele frequency attached by ClinVar (database versions not stated): TOPMed below 0.00001.

Submissions (3):

Myriad Genetics, Inc.
Classification: Benign for Oligodontia-cancer predisposition syndrome. Last evaluated: 2024-07-08. Review status: criteria provided, single submitter. Criteria: Myriad Autosomal Dominant, Autosomal Recessive and X-Linked Classification Criteria (2023). Collection method: clinical testing. Allele origin: unknown.
Comment: This variant is considered benign. This variant is a silent/synonymous amino acid change and it is not expected to impact splicing.

Labcorp Genetics (formerly Invitae), Labcorp
Classification: Likely benign for Oligodontia-cancer predisposition syndrome. Last evaluated: 2023-10-04. Review status: criteria provided, single submitter. Criteria: Invitae Variant Classification Sherloc (09022015). Collection method: clinical testing. Allele origin: germline.

Ambry Genetics
Classification: Likely benign for Hereditary cancer-predisposing syndrome. Last evaluated: 2020-08-20. Review status: criteria provided, single submitter. Criteria: Ambry Variant Classification Scheme 2023. Collection method: clinical testing. Allele origin: germline.